The following is an entry in ClinVar:

ClinVar aggregate classification (germline): Likely pathogenic (0 of 4 stars; one submission).

Conditions:
Keratosis follicularis (DAR). Also called: Darier disease; Darier's disease. Identifiers: Orphanet 218, MedGen C0022595, MONDO:0007417, OMIM 124200.

Submission:

Medical Genetics Unit, Mauro Baschirotto Institute for Rare Disease
Classification: Likely pathogenic for Keratosis follicularis. Last evaluated: 2024-06-07. Review status: no assertion criteria provided. Collection method: provider interpretation. Allele origin: germline. Affected: yes. Observed: 1 variant allele.
Comment: The c.712G>T variant has not been published as a pathogenic variant, nor has it been reported as a benign variant to our knowledge. This variant occurs in A-domain. This variant creates a premature translational stop signal (p.Glu238*), expected to result in an absent or disrupted protein product either through protein truncation or nonsense-mediated mRNA decay. To our knowledge, this variant has not been reported in the literature or in a large population database, indicating this variant is rare. According to Franklin by genoox ACMG classification this nonsense mutation results in a loss of function which is a known mechanism of disease (PVS1 very strong). Therefore, this variant is classified likely pathogenic.

NM_170665.4(ATP2A2):c.712G>T (p.Glu238Ter)

Gene: ATP2A2 (ATPase sarcoplasmic/endoplasmic reticulum Ca2+ transporting 2; plus strand). Cytogenetic location: 12q24.11.
Variant type: single nucleotide variant.
Coding change: c.712G>T on transcript NM_170665.4 (MANE Select); coding-DNA position 712, G replaced by T.
Protein change: p.Glu238Ter; replaces glutamic acid 238 with a stop codon.
Molecular consequence: nonsense.
Genome position (GRCh38, 1-based): chr12:110,327,634, G>T. VCF-style: chr12-110327634-G-T. GRCh37 (hg19) VCF-style: chr12-110765439-G-T.
Other names: c.607G>T, p.Glu203Ter (NM_001413013.1); c.712G>T, p.Glu238Ter (NM_001413014.1, NM_001681.4); c.337G>T, p.Glu113Ter (NM_001413015.1); short protein forms E113*, E203*, E238*.
Identifiers: ClinVar variation 3359258 (VCV003359258.2).